The following is an entry in ClinVar:

NM_000260.4(MYO7A):c.2887del (p.Ala963fs)

Gene: MYO7A (myosin VIIA; plus strand). Cytogenetic location: 11q13.5.
Variant type: Deletion.
Coding change: c.2887del on transcript NM_000260.4 (MANE Select); coding-DNA position 2887, one base deleted (G; older notation c.2887delG).
Protein change: p.Ala963fs; shifts the reading frame from alanine 963.
Molecular consequence: frameshift variant.
Genome position (GRCh38, 1-based): chr11:77,181,572, G deleted; the last of 2 consecutive G bases (chr11:77,181,571-77,181,572); deleting either gives the same sequence. VCF-style (leftmost placement, unchanged base first): chr11-77181570-AG-A. GRCh37 (hg19) VCF-style: chr11-76892616-AG-A.
Other names: c.2887del, p.Ala963fs (NM_001127180.2); c.2854del, p.Ala952fs (NM_001369365.1); short protein forms A952fs, A963fs.
Identifiers: ClinVar variation 4058114 (VCV004058114.2).

ClinVar aggregate classification (germline): Likely pathogenic (1 of 4 stars; one submission).

Conditions:
Usher syndrome type 1B (USH1B). Also called: Usher syndrome type IB. Identifiers: MedGen C1848638, MONDO:0700087.

Submission:

Natera, Inc.
Classification: Likely pathogenic for Usher syndrome type 1B. Last evaluated: 2025-05-20. Review status: criteria provided, single submitter. Criteria: Natera Variant Classification Schema (03/2026). Collection method: clinical testing. Allele origin: germline.
Comment: The c.2887del variant in MYO7A is a frameshift variant predicted to shift the reading frame beginning at codon 963 and leads to a stop codon 99 codons downstream. This variant is expected to result in nonsense mediated decay, truncation, or a dysfunctional protein product. This variant is rare in the general population with a frequency below the threshold expected for the associated phenotype(s). Given the available evidence, this variant is classified as Likely Pathogenic.